The following is an entry in ClinVar:

ClinVar aggregate classification (germline): Uncertain significance (1 of 4 stars; one submission).

Conditions:
Dilated cardiomyopathy 1G (CMD1G). Identifiers: Orphanet 154, MedGen C1858763, MONDO:0011400, OMIM 604145.
Autosomal recessive limb-girdle muscular dystrophy type 2J (LGMDR10). Also called: Limb-girdle muscular dystrophy, type 2J; MUSCULAR DYSTROPHY, LIMB-GIRDLE, AUTOSOMAL RECESSIVE 10. Identifiers: Orphanet 140922, MedGen C1837342, MONDO:0012127, OMIM 608807.

Submission:

Labcorp Genetics (formerly Invitae), Labcorp
Classification: Uncertain significance for Dilated cardiomyopathy 1G; Autosomal recessive limb-girdle muscular dystrophy type 2J. Last evaluated: 2025-08-21. Review status: criteria provided, single submitter. Criteria: Invitae Variant Classification Sherloc (09022015). Collection method: clinical testing. Allele origin: germline.
Comment: This sequence change falls in intron 360 of the TTN gene. It does not directly change the encoded amino acid sequence of the TTN protein. It affects a nucleotide within the consensus splice site. This variant is not present in population databases (ExAC no frequency). This variant has not been reported in the literature in individuals with TTN-related conditions. This variant is located in the M band of TTN (PMID: 25589632). Non-truncating variants in this region may be relevant for neuromuscular disorders, but have not been definitively shown to cause cardiomyopathy (PMID: 23975875). ClinVar contains an entry for this variant (Variation ID: 1363464). Variants that disrupt the consensus splice site are a relatively common cause of aberrant splicing (PMID: 17576681, 9536098). Algorithms developed to predict the effect of sequence changes on RNA splicing suggest that this variant may disrupt the consensus splice site. This variant is located in the M band of TTN (PMID: 25589632). Non-truncating variants in this region may be relevant for neuromuscular disorders, but have not been definitively shown to cause cardiomyopathy (PMID: 23975875). In summary, the available evidence is currently insufficient to determine the role of this variant in disease. Therefore, it has been classified as a Variant of Uncertain Significance.

Literature cited by the submitters: PubMed 25589632; PubMed 23975875; PubMed 17576681; PubMed 9536098.

NM_001267550.2(TTN):c.107223+3A>C

Genes: TTN-AS1 (TTN antisense RNA 1; plus strand), TTN (titin; minus strand). Cytogenetic location: 2q31.2.
Variant type: single nucleotide variant.
Coding change: c.107223+3A>C on transcript NM_001267550.2 (MANE Select); 3 bases into the intron after coding-DNA position 107223, A replaced by C.
Molecular consequence: intron variant.
Genome position (GRCh38, 1-based): chr2:178,528,525, T>G on the plus strand (A>C on the coding strand, the complement: TTN is on the minus strand). VCF-style: chr2-178528525-T-G. GRCh37 (hg19) VCF-style: chr2-179393252-T-G.
Other names: c.80028+3A>C (NM_003319.4); c.80604+3A>C (NM_133437.4); c.80403+3A>C (NM_133432.3); c.99519+3A>C (NM_133378.4); c.102300+3A>C (NM_001256850.1).
Identifiers: ClinVar variation 1363464 (VCV001363464.6), dbSNP rs2154131091, ClinGen allele CA2573134056.